The following is an entry in ClinVar:

NM_004187.5(KDM5C):c.4120C>T (p.Leu1374=)

Gene: KDM5C (lysine demethylase 5C; minus strand). Cytogenetic location: Xp11.22.
Variant type: single nucleotide variant.
Coding change: c.4120C>T on transcript NM_004187.5 (MANE Select); coding-DNA position 4120, C replaced by T.
Protein change: p.Leu1374=; no amino-acid change (leucine 1374 retained).
Molecular consequence: synonymous variant. On other transcripts: non-coding transcript variant (3).
Genome position (GRCh38, 1-based): chrX:53,193,634, G>A on the plus strand (C>T on the coding strand, the complement: KDM5C is on the minus strand). VCF-style: chrX-53193634-G-A. GRCh37 (hg19) VCF-style: chrX-53222816-G-A.
Other names: c.3910C>T, p.Leu1304= (NM_001146702.2); c.4117C>T, p.Leu1373= (NM_001282622.3, NM_001353979.2); c.4111C>T, p.Leu1371= (NM_001353978.3, NM_001353981.2, NM_001353984.2); c.4108C>T, p.Leu1370= (NM_001353982.2).
Identifiers: ClinVar variation 1199234 (VCV001199234.4), dbSNP rs2146815827, ClinGen allele CA516672160.

ClinVar aggregate classification (germline): Uncertain significance (1 of 4 stars; one submission).

Conditions:
KDM5C-related X-linked syndromic intellectual disability.

Submission:

Illumina Laboratory Services, Illumina
Classification: Uncertain significance for KDM5C-related X-linked syndromic intellectual disability. Last evaluated: 2021-02-04. Review status: criteria provided, single submitter. Criteria: ICSLVariantClassificationCriteria RUGD 01 April 2020. Collection method: clinical testing. Allele origin: unknown.
Comment: The KDM5C c.4120C>T (p.Leu1374) variant is a synonymous variant and a splice region variant that is located three base pairs from the splice junction. A literature search was performed for the gene and cDNA change. No publications were found based on this search. This variant is not found in the Genome Aggregation Database in a region of good sequence coverage, so the variant is presumed to be rare. The c.4120C>T variant is not predicted to affect splicing based on a splicing prediction algorithm (Jaganathan et al. 2019). Based on the limited evidence, c.4120C>T (p.Leu1374) variant is classified as a variant of uncertain significance for KDM5C-related X-linked syndromic intellectual disability.

Literature cited by the submitters: PubMed 30661751.